The following is an entry in ClinVar:

NM_007351.3(MMRN1):c.3680G>T (p.Arg1227Leu)

Gene: MMRN1 (multimerin 1; plus strand). Cytogenetic location: 4q22.1.
Variant type: single nucleotide variant.
Coding change: c.3680G>T on transcript NM_007351.3 (MANE Select); coding-DNA position 3680, G replaced by T.
Protein change: p.Arg1227Leu; replaces arginine 1227 with leucine.
Molecular consequence: missense variant.
Genome position (GRCh38, 1-based): chr4:89,953,411, G>T. VCF-style: chr4-89953411-G-T. GRCh37 (hg19) VCF-style: chr4-90874562-G-T.
Other names: c.3680G>T, p.Arg1227Leu (NM_001371403.1); c.2906G>T, p.Arg969Leu (NM_001410735.1); short protein forms R1227L, R969L.
Identifiers: ClinVar variation 2654949 (VCV002654949.24), dbSNP rs147451161, ClinGen allele CA3011106.
Genomic context (GRCh38, chr4:89,953,411, plus strand): 5'-AAGGAACAATTCCAGCCAAGTTTCCCCCTGTTACTACATTTAGTGGCTATTTATTATATC[G>T]TACATAAGTTAGTATGAAAAACAGACTATCACCTTTATTGAGAAACAGCCAGTGTTTTCA-3'
Protein context (NP_031377.2, residues 1217-1228): VTTFSGYLLY[Arg1227Leu]T

ClinVar aggregate classification (germline): Likely benign (1 of 4 stars; one submission).

Allele frequency attached by ClinVar (database versions not stated): 1000 Genomes Project 30x 0.00453; 1000 Genomes Project 0.00459; ESP Exome Variant Server 0.00485.
gnomAD v4.1: 4,070 of 1,588,888 alleles (0.26%); highest among the groups gnomAD compares: Middle Eastern, 1.8%; 36 homozygotes.

Submission:

CeGaT Center for Human Genetics Tuebingen
Classification: Likely benign. Last evaluated: 2023-03-01. Review status: criteria provided, single submitter. Criteria: CeGaT Center For Human Genetics Tuebingen Variant Classification Criteria Version 2. Collection method: clinical testing. Allele origin: germline. Affected: yes. Observed: 3 variant alleles.
Comment: MMRN1: BS2